The following is an entry in ClinVar:

ClinVar aggregate classification (germline): Uncertain significance (1 of 4 stars; one submission).

Allele frequency attached by ClinVar (database versions not stated): gnomAD 0.00001; TOPMed 0.00001.
gnomAD v4.1: 13 of 1,612,972 alleles (0.00081%); highest among the groups gnomAD compares: South Asian, 0.011%; no homozygotes.

Submission:

Labcorp Genetics (formerly Invitae), Labcorp
Classification: Uncertain significance. Last evaluated: 2022-09-13. Review status: criteria provided, single submitter. Criteria: Invitae Variant Classification Sherloc (09022015). Collection method: clinical testing. Allele origin: germline.
Comment: This sequence change replaces glycine, which is neutral and non-polar, with serine, which is neutral and polar, at codon 218 of the A4GALT protein (p.Gly218Ser). This variant is not present in population databases (gnomAD no frequency). This variant has not been reported in the literature in individuals affected with A4GALT-related conditions. Algorithms developed to predict the effect of missense changes on protein structure and function are either unavailable or do not agree on the potential impact of this missense change (SIFT: "Not Available"; PolyPhen-2: "Probably Damaging"; Align-GVGD: "Not Available"). In summary, the available evidence is currently insufficient to determine the role of this variant in disease. Therefore, it has been classified as a Variant of Uncertain Significance.

NM_017436.7(A4GALT):c.652G>A (p.Gly218Ser)

Gene: A4GALT (alpha 1,4-galactosyltransferase (P1PK blood group); minus strand). Cytogenetic location: 22q13.2.
Variant type: single nucleotide variant.
Coding change: c.652G>A on transcript NM_017436.7 (MANE Select); coding-DNA position 652, G replaced by A.
Protein change: p.Gly218Ser; replaces glycine 218 with serine.
Molecular consequence: missense variant.
Genome position (GRCh38, 1-based): chr22:42,693,300, C>T on the plus strand (G>A on the coding strand, the complement: A4GALT is on the minus strand). VCF-style: chr22-42693300-C-T. GRCh37 (hg19) VCF-style: chr22-43089306-C-T.
Other names: c.652G>A, p.Gly218Ser (NM_001318038.3); short protein forms G218S.
Identifiers: ClinVar variation 2086919 (VCV002086919.4), dbSNP rs1000201351, ClinGen allele CA324732268.